The following is an entry in ClinVar:

NM_003334.4(UBA1):c.1094T>C (p.Val365Ala)

Gene: UBA1 (ubiquitin like modifier activating enzyme 1; plus strand). Cytogenetic location: Xp11.3.
Variant type: single nucleotide variant.
Coding change: c.1094T>C on transcript NM_003334.4 (MANE Select); coding-DNA position 1094, T replaced by C.
Protein change: p.Val365Ala; replaces valine 365 with alanine.
Molecular consequence: missense variant.
Genome position (GRCh38, 1-based): chrX:47,202,675, T>C. VCF-style: chrX-47202675-T-C. GRCh37 (hg19) VCF-style: chrX-47062074-T-C.
Other names: c.1094T>C, p.Val365Ala (NM_153280.3); short protein forms V365A.
Identifiers: ClinVar variation 1499376 (VCV001499376.8), dbSNP rs2147260730, ClinGen allele CA412796060.
Genomic context (GRCh38, chrX:47,202,675, plus strand): 5'-CTTGGTTCTTTCTGGCCCACCAGGAGGATGCAGCAGAACTGGTAGCCTTAGCACAGGCTG[T>C]GAATGCTCGAGCCCTGCCAGCAGTGCAGCAAAATAACCTGGACGAGGACCTCATCCGGAA-3'
Protein context (NP_003325.2, residues 355-375): AAELVALAQA[Val365Ala]NARALPAVQQ

ClinVar aggregate classification (germline): Uncertain significance (1 of 4 stars; one submission).

Conditions:
Infantile-onset X-linked spinal muscular atrophy. Also called: Spinal Muscular Atrophy, X-Linked Infantile; SPINAL MUSCULAR ATROPHY, X-LINKED LETHAL INFANTILE; AMC, DISTAL, X-LINKED; ARTHROGRYPOSIS, X-LINKED, TYPE I; Spinal muscular atrophy, X-linked 2. Identifiers: Orphanet 1145, MedGen C1844934, MONDO:0010532, OMIM 301830.

Submission:

Labcorp Genetics (formerly Invitae), Labcorp
Classification: Uncertain significance for Infantile-onset X-linked spinal muscular atrophy. Last evaluated: 2021-08-04. Review status: criteria provided, single submitter. Criteria: Invitae Variant Classification Sherloc (09022015). Collection method: clinical testing. Allele origin: germline.
Comment: In summary, the available evidence is currently insufficient to determine the role of this variant in disease. Therefore, it has been classified as a Variant of Uncertain Significance. Algorithms developed to predict the effect of missense changes on protein structure and function are either unavailable or do not agree on the potential impact of this missense change (SIFT: "Deleterious"; PolyPhen-2: "Benign"; Align-GVGD: "Class C0"). This variant has not been reported in the literature in individuals affected with UBA1-related conditions. This variant is not present in population databases (ExAC no frequency). This sequence change replaces valine with alanine at codon 365 of the UBA1 protein (p.Val365Ala). The valine residue is moderately conserved and there is a small physicochemical difference between valine and alanine.